The following is an entry in ClinVar:

NM_001008537.3(NEXMIF):c.265C>T (p.His89Tyr)

Gene: NEXMIF (neurite extension and migration factor; minus strand). Cytogenetic location: Xq13.3.
Variant type: single nucleotide variant.
Coding change: c.265C>T on transcript NM_001008537.3 (MANE Select); coding-DNA position 265, C replaced by T.
Protein change: p.His89Tyr; replaces histidine 89 with tyrosine.
Molecular consequence: missense variant.
Genome position (GRCh38, 1-based): chrX:74,744,292, G>A on the plus strand (C>T on the coding strand, the complement: NEXMIF is on the minus strand). VCF-style: chrX-74744292-G-A. GRCh37 (hg19) VCF-style: chrX-73964127-G-A.
Other names: short protein forms H89Y.
Identifiers: ClinVar variation 774067 (VCV000774067.23), dbSNP rs752314023, ClinGen allele CA10455234.
Genomic context (GRCh38, chrX:74,744,292, plus strand): 5'-GGCCTTTTGCAATGCCAGATGTGAGGGAGATGGCATTCACAGAAGCACTATTAGCAGCAT[G>A]TTCGGGTGCTTCAATCAGGCCCAAAGGAGAGGGCGGGCTCTGCATACAGGGCTTCTTAGA-3'
Protein context (NP_001008537.1, residues 79-99): SPLGLIEAPE[His89Tyr]AANSASVNAI

ClinVar aggregate classification (germline): Benign/Likely benign. Review status: criteria provided, multiple submitters, no conflicts (2 of 4 stars). 7 submissions from 7 submitters: Benign (1); Likely benign (6). Last evaluated 2026-04-01.

Conditions:
X-linked intellectual disability, Cantagrel type (XLID98). Also called: INTELLECTUAL DEVELOPMENTAL DISORDER, X-LINKED 98. Identifiers: Orphanet 85277, MedGen C3806730, MONDO:0010483, OMIM 300912.

Allele frequency attached by ClinVar (database versions not stated): ExAC 0.00005; gnomAD exomes 0.00006 and 0.00007; gnomAD 0.00007 and 0.00009; TOPMed 0.00009.
gnomAD v4.1: 79 of 1,209,549 alleles (0.0065%); highest among the groups gnomAD compares: Middle Eastern, 0.023%; no homozygotes.

Submissions (7):

CeGaT Center for Human Genetics Tuebingen
Classification: Likely benign. Last evaluated: 2026-04-01. Review status: criteria provided, single submitter. Criteria: CeGaT Center For Human Genetics Tuebingen Variant Classification Criteria Version 2. Collection method: clinical testing. Allele origin: germline. Affected: yes. Observed: 2 variant alleles.
Comment: NEXMIF: BP4, BS2

Ambry Genetics
Classification: Likely benign. Last evaluated: 2026-01-26. Review status: criteria provided, single submitter. Criteria: Ambry Variant Classification Scheme 2023. Collection method: clinical testing. Allele origin: germline.

Labcorp Genetics (formerly Invitae), Labcorp
Classification: Benign. Last evaluated: 2025-10-29. Review status: criteria provided, single submitter. Criteria: Invitae Variant Classification Sherloc (09022015). Collection method: clinical testing. Allele origin: germline.

Blueprint Genetics
Classification: Likely benign. Last evaluated: 2024-11-07. Review status: criteria provided, single submitter. Criteria: ACMG Guidelines, 2015. Collection method: clinical testing. Allele origin: germline.

Department of Pathology and Laboratory Medicine, Sinai Health System
Classification: Likely benign for X-linked intellectual disability, Cantagrel type. Last evaluated: 2021-11-02. Review status: criteria provided, single submitter. Criteria: ACMG Guidelines, 2015. Collection method: research. Allele origin: germline.

GeneDx
Classification: Likely benign. Last evaluated: 2021-06-18. Review status: criteria provided, single submitter. Criteria: GeneDx Variant Classification Process June 2021. Collection method: clinical testing. Allele origin: germline. Affected: yes.

Breakthrough Genomics
Classification: Likely benign. Review status: criteria provided, single submitter. Criteria: ACMG Guidelines, 2015. Collection method: not provided. Allele origin: germline. Inheritance: X-linked inheritance. Affected: yes.

Literature cited by the submitters: PubMed 28518168 (cited by Ambry Genetics); PubMed 32461654 (cited by Ambry Genetics).